The following is an entry in ClinVar:

ClinVar aggregate classification (germline): Uncertain significance (1 of 4 stars; one submission).

Allele frequency attached by ClinVar (database versions not stated): TOPMed below 0.00001; gnomAD 0.00001; gnomAD exomes 0.00001.
gnomAD v4.1: 4 of 1,612,328 alleles (0.00025%); highest among the groups gnomAD compares: Admixed American, 0.0067%; no homozygotes.

Submission:

Labcorp Genetics (formerly Invitae), Labcorp
Classification: Uncertain significance. Last evaluated: 2022-03-10. Review status: criteria provided, single submitter. Criteria: Invitae Variant Classification Sherloc (09022015). Collection method: clinical testing. Allele origin: germline.
Comment: This sequence change replaces lysine, which is basic and polar, with glutamic acid, which is acidic and polar, at codon 1099 of the LAMC3 protein (p.Lys1099Glu). The frequency data for this variant in the population databases is considered unreliable, as metrics indicate poor data quality at this position in the gnomAD database. This variant has not been reported in the literature in individuals affected with LAMC3-related conditions. Algorithms developed to predict the effect of missense changes on protein structure and function output the following: SIFT: "Tolerated"; PolyPhen-2: "Benign"; Align-GVGD: "Class C0". The glutamic acid amino acid residue is found in multiple mammalian species, which suggests that this missense change does not adversely affect protein function. In summary, the available evidence is currently insufficient to determine the role of this variant in disease. Therefore, it has been classified as a Variant of Uncertain Significance.

NM_006059.4(LAMC3):c.3295A>G (p.Lys1099Glu)

Gene: LAMC3 (laminin subunit gamma 3; plus strand). Cytogenetic location: 9q34.12.
Variant type: single nucleotide variant.
Coding change: c.3295A>G on transcript NM_006059.4 (MANE Select); coding-DNA position 3295, A replaced by G.
Protein change: p.Lys1099Glu; replaces lysine 1099 with glutamic acid.
Molecular consequence: missense variant.
Genome position (GRCh38, 1-based): chr9:131,072,713, A>G. VCF-style: chr9-131072713-A-G. GRCh37 (hg19) VCF-style: chr9-133948100-A-G.
Other names: short protein forms K1099E.
Identifiers: ClinVar variation 1469409 (VCV001469409.5), dbSNP rs1238373057, ClinGen allele CA375258862.